The following is an entry in ClinVar:

ClinVar aggregate classification (germline): Uncertain significance (1 of 4 stars; one submission).

Allele frequency attached by ClinVar (database versions not stated): ExAC 0.00005; gnomAD 0.00005; TOPMed 0.00006.
gnomAD v4.1: 70 of 1,606,278 alleles (0.0044%); highest among the groups gnomAD compares: Middle Eastern, 0.05%; no homozygotes.

Submission:

Labcorp Genetics (formerly Invitae), Labcorp
Classification: Uncertain significance. Last evaluated: 2023-10-03. Review status: criteria provided, single submitter. Criteria: Invitae Variant Classification Sherloc (09022015). Collection method: clinical testing. Allele origin: germline.
Comment: This sequence change replaces glutamic acid, which is acidic and polar, with lysine, which is basic and polar, at codon 59 of the ERMARD protein (p.Glu59Lys). This variant also falls at the last nucleotide of exon 2, which is part of the consensus splice site for this exon. This variant is present in population databases (rs780323173, gnomAD 0.1%), and has an allele count higher than expected for a pathogenic variant. This variant has not been reported in the literature in individuals affected with ERMARD-related conditions. ClinVar contains an entry for this variant (Variation ID: 1990246). An algorithm developed to predict the effect of missense changes on protein structure and function (PolyPhen-2) suggests that this variant is likely to be tolerated. Variants that disrupt the consensus splice site are a relatively common cause of aberrant splicing (PMID: 17576681, 9536098). Algorithms developed to predict the effect of sequence changes on RNA splicing suggest that this variant may disrupt the consensus splice site. In summary, the available evidence is currently insufficient to determine the role of this variant in disease. Therefore, it has been classified as a Variant of Uncertain Significance.

Literature cited by the submitters: PubMed 17576681; PubMed 9536098.

NM_018341.3(ERMARD):c.175G>A (p.Glu59Lys)

Gene: ERMARD (ER membrane associated RNA degradation; plus strand). Cytogenetic location: 6q27.
Variant type: single nucleotide variant.
Coding change: c.175G>A on transcript NM_018341.3 (MANE Select); coding-DNA position 175, G replaced by A.
Protein change: p.Glu59Lys; replaces glutamic acid 59 with lysine.
Molecular consequence: missense variant. On other transcripts: intron variant (1).
Genome position (GRCh38, 1-based): chr6:169,754,032, G>A. VCF-style: chr6-169754032-G-A. GRCh37 (hg19) VCF-style: chr6-170154128-G-A.
Other names: c.175G>A, p.Glu59Lys (NM_001278531.2, NM_001278533.2); c.-203-1251G>A (NM_001278532.2); short protein forms E59K.
Identifiers: ClinVar variation 1990246 (VCV001990246.4), dbSNP rs780323173, ClinGen allele CA4105743.